The following is an entry in ClinVar:

ClinVar aggregate classification (germline): Uncertain significance. Review status: criteria provided, single submitter (1 of 4 stars). 2 submissions from 2 submitters: Uncertain significance (1). 1 of the submissions does not count toward it. Last evaluated 2022-06-12.

Conditions:
ACD-related disorder. Also called: ACD-related condition.
Inborn genetic diseases. Identifiers: MedGen C0950123, MeSH D030342.

Allele frequency attached by ClinVar (database versions not stated): gnomAD exomes below 0.00001.
gnomAD v4.1: 4 of 1,614,000 alleles (0.00025%); highest among the groups gnomAD compares: Non-Finnish European, 0.00034%; no homozygotes.

Submissions (2):

Ambry Genetics
Classification: Uncertain significance for Inborn genetic diseases. Last evaluated: 2022-06-12. Review status: criteria provided, single submitter. Criteria: Ambry Variant Classification Scheme 2023. Collection method: clinical testing. Allele origin: germline.
Comment: The p.L238F variant (also known as c.712C>T), located in coding exon 5 of the ACD gene, results from a C to T substitution at nucleotide position 712. The leucine at codon 238 is replaced by phenylalanine, an amino acid with highly similar properties. This amino acid position is conserved. In addition, this alteration is predicted to be tolerated by in silico analysis. Since supporting evidence is limited at this time, the clinical significance of this alteration remains unclear.

PreventionGenetics, part of Exact Sciences
Classification: Uncertain significance for ACD-related condition. Last evaluated: 2024-06-14. Review status: no assertion criteria provided. Collection method: clinical testing. Allele origin: germline. Not counted in ClinVar's aggregate classification.
Comment: The ACD c.712C>T variant is predicted to result in the amino acid substitution p.Leu238Phe. To our knowledge, this variant has not been reported in the literature or in a large population database, indicating this variant is rare. At this time, the clinical significance of this variant is uncertain due to the absence of conclusive functional and genetic evidence.

NM_001082486.2(ACD):c.454C>T (p.Leu152Phe)

Gene: ACD (ACD shelterin complex subunit and telomerase recruitment factor; minus strand). Cytogenetic location: 16q22.1.
Variant type: single nucleotide variant.
Coding change: c.454C>T on transcript NM_001082486.2 (MANE Select); coding-DNA position 454, C replaced by T.
Protein change: p.Leu152Phe; replaces leucine 152 with phenylalanine.
Molecular consequence: missense variant.
Genome position (GRCh38, 1-based): chr16:67,659,379, G>A on the plus strand (C>T on the coding strand, the complement: ACD is on the minus strand). VCF-style: chr16-67659379-G-A. GRCh37 (hg19) VCF-style: chr16-67693282-G-A.
Other names: c.454C>T, p.Leu152Phe (NM_001410884.1); c.445C>T, p.Leu149Phe (NM_022914.3); short protein forms L149F, L152F.
Identifiers: ClinVar variation 1757303 (VCV001757303.3), dbSNP rs2543606711, ClinGen allele CA396354757.